The following is an entry in ClinVar:

NM_004656.4(BAP1):c.1681C>G (p.Leu561Val)

Gene: BAP1 (BRCA1 associated deubiquitinase 1; minus strand). Cytogenetic location: 3p21.1.
Variant type: single nucleotide variant.
Coding change: c.1681C>G on transcript NM_004656.4 (MANE Select); coding-DNA position 1681, C replaced by G.
Protein change: p.Leu561Val; replaces leucine 561 with valine.
Molecular consequence: missense variant.
Genome position (GRCh38, 1-based): chr3:52,403,464, G>C on the plus strand (C>G on the coding strand, the complement: BAP1 is on the minus strand). VCF-style: chr3-52403464-G-C. GRCh37 (hg19) VCF-style: chr3-52437480-G-C.
Other names: short protein forms L561V.
Identifiers: ClinVar variation 539924 (VCV000539924.11), dbSNP rs1553644818, ClinGen allele CA353099879.
Genomic context (GRCh38, chr3:52,403,464, plus strand): 5'-TCCAAGGCCCACCTGTCAGCGCCAGGGGACTCAGCACCCCATCCTCAGCCAGGTGCAGCA[G>C]GCCTGTGCTGATGACAGGACCCAGATCACGGACAGCACGGTTGTAGCGTATGCAGTCAAC-3'
Protein context (NP_004647.1, residues 551-571): RDLGPVISTG[Leu561Val]LHLAEDGVLS

ClinVar aggregate classification (germline): Conflicting classifications of pathogenicity. Review status: criteria provided, conflicting classifications (1 of 4 stars). 3 submissions from 3 submitters: Uncertain significance (2); Benign (1). Last evaluated 2026-05-07.

Conditions:
Hereditary cancer-predisposing syndrome. Also called: Tumor predisposition; Hereditary neoplastic syndrome; Neoplastic Syndromes, Hereditary; Hereditary Cancer Syndrome. Identifiers: Orphanet 140162, MedGen C0027672, MeSH D009386, MONDO:0015356.
BAP1-related tumor predisposition syndrome (TPDS1). Also called: Tumor susceptibility linked to germline BAP1 mutations; COMMON Syndrome; TUMOR PREDISPOSITION SYNDROME 1; BAP1 tumor predisposition syndrome. Identifiers: Orphanet 289539, MedGen C3280492, MONDO:0013692, OMIM 614327.

Allele frequency attached by ClinVar (database versions not stated): gnomAD exomes below 0.00001.
gnomAD v4.1: 1 of 1,613,952 alleles (0.000062%); highest among the groups gnomAD compares: Non-Finnish European, 0.000085%; no homozygotes.

Submissions (3):

Ambry Genetics
Classification: Benign for Hereditary cancer-predisposing syndrome. Last evaluated: 2026-05-07. Review status: criteria provided, single submitter. Criteria: Ambry Variant Classification Scheme 2023. Collection method: clinical testing. Allele origin: germline.

Color Diagnostics, LLC DBA Color Health
Classification: Uncertain significance for Hereditary cancer-predisposing syndrome. Last evaluated: 2025-07-17. Review status: criteria provided, single submitter. Criteria: ACMG Guidelines, 2015. Collection method: clinical testing. Allele origin: germline.
Comment: This missense variant replaces leucine with valine at codon 561 of the BAP1 protein. Computational prediction suggests that this variant may not impact protein structure and function. To our knowledge, functional studies have not been reported for this variant. This variant has not been reported in individuals affected with BAP1-related disorders in the literature. This variant has not been identified in the general population by the Genome Aggregation Database (gnomAD). The available evidence is insufficient to determine the role of this variant in disease conclusively. Therefore, this variant is classified as a Variant of Uncertain Significance.

Labcorp Genetics (formerly Invitae), Labcorp
Classification: Uncertain significance for BAP1-related tumor predisposition syndrome. Last evaluated: 2024-08-04. Review status: criteria provided, single submitter. Criteria: Invitae Variant Classification Sherloc (09022015). Collection method: clinical testing. Allele origin: germline.
Comment: This sequence change replaces leucine, which is neutral and non-polar, with valine, which is neutral and non-polar, at codon 561 of the BAP1 protein (p.Leu561Val). This variant is not present in population databases (gnomAD no frequency). This variant has not been reported in the literature in individuals affected with BAP1-related conditions. ClinVar contains an entry for this variant (Variation ID: 539924). Advanced modeling of protein sequence and biophysical properties (such as structural, functional, and spatial information, amino acid conservation, physicochemical variation, residue mobility, and thermodynamic stability) performed at Invitae indicates that this missense variant is not expected to disrupt BAP1 protein function with a negative predictive value of 80%. In summary, the available evidence is currently insufficient to determine the role of this variant in disease. Therefore, it has been classified as a Variant of Uncertain Significance.

Literature cited by the submitters: PubMed 38969833 (cited by Ambry Genetics).